The following is an entry in ClinVar:

ClinVar aggregate classification (germline): Uncertain significance. Review status: criteria provided, multiple submitters, no conflicts (2 of 4 stars). 4 submissions from 4 submitters: Uncertain significance (4). Last evaluated 2026-07-30.

Conditions:
Cardiomyopathy (CMYO). Also called: Cardiomyopathies. Identifiers: Orphanet 167848, MedGen C0878544, MONDO:0004994, HP:0001638. Inheritance: Various modes of inheritance.
PKP2-related disorder. Also called: PKP2-related condition.
Cardiovascular phenotype. Identifiers: MedGen CN230736.
Arrhythmogenic right ventricular dysplasia 9 (ARVD9). Also called: Arrhythmogenic Right Ventricular Dysplasia/Cardiomyopathy 9; ARRHYTHMOGENIC RIGHT VENTRICULAR DYSPLASIA, FAMILIAL, 9. Identifiers: MedGen C1836906, MONDO:0012180, OMIM 609040.

Allele frequency attached by ClinVar (database versions not stated): ExAC 0.00001; gnomAD 0.00001; gnomAD exomes 0.00001.
gnomAD v4.1: 20 of 1,613,614 alleles (0.0012%); highest among the groups gnomAD compares: African/African-American, 0.0013%; no homozygotes.

Submissions (4):

PreventionGenetics, part of Exact Sciences
Classification: Uncertain significance for PKP2-related condition. Last evaluated: 2026-07-30. Review status: criteria provided, single submitter. Criteria: ACMG Guidelines, 2015. Collection method: clinical testing. Allele origin: germline.
Comment: The PKP2 c.2149C>T variant is predicted to result in the amino acid substitution p.Pro717Ser. To our knowledge, this variant has not been reported in the literature. This variant is reported in 0.0062% of alleles in individuals of African descent in gnomAD. At this time, the clinical significance of this variant is uncertain due to the absence of conclusive functional and genetic evidence.

Labcorp Genetics (formerly Invitae), Labcorp
Classification: Uncertain significance for Arrhythmogenic right ventricular dysplasia 9. Last evaluated: 2025-11-24. Review status: criteria provided, single submitter. Criteria: Invitae Variant Classification Sherloc (09022015). Collection method: clinical testing. Allele origin: germline.
Comment: This sequence change replaces proline, which is neutral and non-polar, with serine, which is neutral and polar, at codon 717 of the PKP2 protein (p.Pro717Ser). This variant is present in population databases (rs757205704, gnomAD 0.007%). This variant has not been reported in the literature in individuals affected with PKP2-related conditions. ClinVar contains an entry for this variant (Variation ID: 1446648). An algorithm developed to predict the effect of missense changes on protein structure and function (PolyPhen-2) suggests that this variant is likely to be disruptive. In summary, the available evidence is currently insufficient to determine the role of this variant in disease. Therefore, it has been classified as a Variant of Uncertain Significance.

Ambry Genetics
Classification: Uncertain significance for Cardiovascular phenotype. Last evaluated: 2025-02-24. Review status: criteria provided, single submitter. Criteria: Ambry Variant Classification Scheme 2023. Collection method: clinical testing. Allele origin: germline.
Comment: The p.P717S variant (also known as c.2149C>T), located in coding exon 11 of the PKP2 gene, results from a C to T substitution at nucleotide position 2149. The proline at codon 717 is replaced by serine, an amino acid with similar properties. This amino acid position is conserved. In addition, this alteration is predicted to be tolerated by in silico analysis. Since supporting evidence is limited at this time, the clinical significance of this alteration remains unclear.

Color Diagnostics, LLC DBA Color Health
Classification: Uncertain significance for Cardiomyopathy. Last evaluated: 2024-03-07. Review status: criteria provided, single submitter. Criteria: ACMG Guidelines, 2015. Collection method: clinical testing. Allele origin: germline.
Comment: This missense variant replaces proline with serine at codon 717 of the PKP2 protein. Computational prediction suggests that this variant may not impact protein structure and function (internally defined REVEL score threshold <= 0.5, PMID: 27666373). To our knowledge, functional studies have not been reported for this variant. This variant has not been reported in individuals affected with cardiovascular disorders in the literature. This variant has been identified in 2/251252 chromosomes in the general population by the Genome Aggregation Database (gnomAD). The available evidence is insufficient to determine the role of this variant in disease conclusively. Therefore, this variant is classified as a Variant of Uncertain Significance.

NM_001005242.3(PKP2):c.2017C>T (p.Pro673Ser)

Gene: PKP2 (plakophilin 2; minus strand). Cytogenetic location: 12p11.21.
Variant type: single nucleotide variant.
Coding change: c.2017C>T on transcript NM_001005242.3 (MANE Select); coding-DNA position 2017, C replaced by T.
Protein change: p.Pro673Ser; replaces proline 673 with serine.
Molecular consequence: missense variant.
Genome position (GRCh38, 1-based): chr12:32,802,553, G>A on the plus strand (C>T on the coding strand, the complement: PKP2 is on the minus strand). VCF-style: chr12-32802553-G-A. GRCh37 (hg19) VCF-style: chr12-32955487-G-A.
Other names: c.2149C>T (NM_004572.3); c.2149C>T, p.Pro717Ser (NM_004572.4); short protein forms P673S, P717S.
Identifiers: ClinVar variation 1446648 (VCV001446648.10), dbSNP rs757205704, ClinGen allele CA033129.